The following is an entry in ClinVar:

ClinVar aggregate classification (germline): Uncertain significance (1 of 4 stars; one submission).

Submission:

Labcorp Genetics (formerly Invitae), Labcorp
Classification: Uncertain significance. Last evaluated: 2024-11-04. Review status: criteria provided, single submitter. Criteria: Invitae Variant Classification Sherloc (09022015). Collection method: clinical testing. Allele origin: germline.
Comment: This sequence change replaces methionine, which is neutral and non-polar, with isoleucine, which is neutral and non-polar, at codon 230 of the DLST protein (p.Met230Ile). This variant is not present in population databases (gnomAD no frequency). This variant has not been reported in the literature in individuals affected with DLST-related conditions. Invitae Evidence Modeling of protein sequence and biophysical properties (such as structural, functional, and spatial information, amino acid conservation, physicochemical variation, residue mobility, and thermodynamic stability) indicates that this missense variant is not expected to disrupt DLST protein function with a negative predictive value of 80%. In summary, the available evidence is currently insufficient to determine the role of this variant in disease. Therefore, it has been classified as a Variant of Uncertain Significance.

NM_001933.5(DLST):c.690G>A (p.Met230Ile)

Gene: DLST (dihydrolipoamide S-succinyltransferase; plus strand). Cytogenetic location: 14q24.3.
Variant type: single nucleotide variant.
Coding change: c.690G>A on transcript NM_001933.5 (MANE Select); coding-DNA position 690, G replaced by A.
Protein change: p.Met230Ile; replaces methionine 230 with isoleucine.
Molecular consequence: missense variant. On other transcripts: non-coding transcript variant (2).
Genome position (GRCh38, 1-based): chr14:74,894,329, G>A. VCF-style: chr14-74894329-G-A. GRCh37 (hg19) VCF-style: chr14-75361032-G-A.
Other names: short protein forms M230I.
Identifiers: ClinVar variation 3632151 (VCV003632151.2).